The following is an entry in ClinVar:

ClinVar aggregate classification (germline): Uncertain significance. Review status: criteria provided, multiple submitters, no conflicts (2 of 4 stars). 3 submissions from 3 submitters: Uncertain significance (3). Last evaluated 2025-05-08.

Conditions:
Autosomal recessive limb-girdle muscular dystrophy type 2L (LGMDR12). Also called: Limb-girdle muscular dystrophy, type 2L; MUSCULAR DYSTROPHY, LIMB-GIRDLE, AUTOSOMAL RECESSIVE 12; Limb-Girdle Muscular Dystrophy R12 Anoctamin-5-Related (LGMD-R12). Identifiers: Orphanet 206549, MedGen C1969785, MONDO:0012652, OMIM 611307.
Gnathodiaphyseal dysplasia (GDD). Also called: GNATHODIAPHYSEAL SCLEROSIS; OSTEOGENESIS IMPERFECTA WITH UNUSUAL SKELETAL LESIONS. Identifiers: Orphanet 53697, MedGen C1833736, MONDO:0008151, OMIM 166260.

Allele frequency attached by ClinVar (database versions not stated): gnomAD exomes 0.00003; ExAC 0.00006; gnomAD 0.00006 and 0.00008; TOPMed 0.00006; ESP Exome Variant Server 0.00023; 1000 Genomes Project 30x 0.00047; 1000 Genomes Project 0.00060.
gnomAD v4.1: 19 of 1,614,120 alleles (0.0012%); highest among the groups gnomAD compares: African/African-American, 0.023%; no homozygotes.

Submissions (3):

Women's Health and Genetics/Laboratory Corporation of America, LabCorp
Classification: Uncertain significance. Last evaluated: 2025-05-08. Review status: criteria provided, single submitter. Criteria: LabCorp Variant Classification Summary - May 2015. Collection method: clinical testing. Allele origin: germline.
Comment: Variant summary: ANO5 c.1933C>T (p.Arg645Trp) results in a non-conservative amino acid change in the encoded protein sequence. Algorithms developed to predict the effect of missense changes on protein structure and function all suggest that this variant is likely to be disruptive. The variant allele was found at a frequency of 3.2e-05 in 251442 control chromosomes. The available data on variant occurrences in the general population are insufficient to allow any conclusion about variant significance. To our knowledge, no occurrence of c.1933C>T in individuals affected with Autosomal recessive limb-girdle muscular dystrophy type 2L and no experimental evidence demonstrating its impact on protein function have been reported. ClinVar contains an entry for this variant (Variation ID: 1351028). Based on the evidence outlined above, the variant was classified as uncertain significance.

Labcorp Genetics (formerly Invitae), Labcorp
Classification: Uncertain significance for Autosomal recessive limb-girdle muscular dystrophy type 2L; Gnathodiaphyseal dysplasia. Last evaluated: 2025-04-14. Review status: criteria provided, single submitter. Criteria: Invitae Variant Classification Sherloc (09022015). Collection method: clinical testing. Allele origin: germline.
Comment: This sequence change replaces arginine, which is basic and polar, with tryptophan, which is neutral and slightly polar, at codon 645 of the ANO5 protein (p.Arg645Trp). This variant is present in population databases (rs139303302, gnomAD 0.03%). This variant has not been reported in the literature in individuals affected with ANO5-related conditions. ClinVar contains an entry for this variant (Variation ID: 1351028). Invitae Evidence Modeling of protein sequence and biophysical properties (such as structural, functional, and spatial information, amino acid conservation, physicochemical variation, residue mobility, and thermodynamic stability) has been performed for this missense variant. However, the output from this modeling did not meet the statistical confidence thresholds required to predict the impact of this variant on ANO5 protein function. In summary, the available evidence is currently insufficient to determine the role of this variant in disease. Therefore, it has been classified as a Variant of Uncertain Significance.

Revvity Omics, Revvity
Classification: Uncertain significance. Last evaluated: 2019-12-02. Review status: criteria provided, single submitter. Criteria: ACMG Guidelines, 2015. Collection method: clinical testing. Allele origin: germline.

NM_213599.3(ANO5):c.1933C>T (p.Arg645Trp)

Gene: ANO5 (anoctamin 5; plus strand). Cytogenetic location: 11p14.3.
Variant type: single nucleotide variant.
Coding change: c.1933C>T on transcript NM_213599.3 (MANE Select); coding-DNA position 1933, C replaced by T.
Protein change: p.Arg645Trp; replaces arginine 645 with tryptophan.
Molecular consequence: missense variant.
Genome position (GRCh38, 1-based): chr11:22,270,346, C>T. VCF-style: chr11-22270346-C-T. GRCh37 (hg19) VCF-style: chr11-22291892-C-T.
Other names: c.1933C>T (NM_213599.2); c.1930C>T, p.Arg644Trp (NM_001142649.2); short protein forms R645W, R644W.
Identifiers: ClinVar variation 1351028 (VCV001351028.9), dbSNP rs139303302, ClinGen allele CA5923411.